The following is an entry in ClinVar:

NM_001143775.2(CTDNEP1):c.199G>T (p.Asp67Tyr)

Gene: CTDNEP1 (CTD nuclear envelope phosphatase 1; minus strand). Cytogenetic location: 17p13.1.
Variant type: single nucleotide variant.
Coding change: c.199G>T on transcript NM_001143775.2 (MANE Select); coding-DNA position 199, G replaced by T.
Protein change: p.Asp67Tyr; replaces aspartic acid 67 with tyrosine.
Molecular consequence: missense variant.
Genome position (GRCh38, 1-based): chr17:7,247,153, C>A on the plus strand (G>T on the coding strand, the complement: CTDNEP1 is on the minus strand). VCF-style: chr17-7247153-C-A. GRCh37 (hg19) VCF-style: chr17-7150472-C-A.
Other names: c.199G>T, p.Asp67Tyr (NM_015343.5); short protein forms D67Y.
Identifiers: ClinVar variation 4530126 (VCV004530126.1).

ClinVar aggregate classification (somatic clinical impact): Tier II - Potential (1 of 4 stars; one submission).

Conditions:
Medulloblastoma non-WNT/non-SHH. Identifiers: MedGen C4330667, MONDO:0850198.

Submission:

Institute for Genomic Medicine (IGM) Clinical Laboratory, Nationwide Children's Hospital
Classification: Tier II - Potential for Medulloblastoma non-WNT/non-SHH. Assertion type: diagnostic. Clinical significance: supports diagnosis. Last evaluated: 2022-10-12. Review status: criteria provided, single submitter. Criteria: AMP/ASCO/CAP Guidelines, 2017. Collection method: clinical testing. Allele origin: somatic. Affected: yes.
Comment: Variant has Tier II (potential) clinical significance as a diagnostic inclusion criterion in medulloblastoma non-WNT/non-SHH, based on the following evidence: 1) Appears in one or more well-established professional guidelines (e.g., World Health Organization [WHO]; National Comprehensive Cancer Network [NCCN]) as providing diagnostic, prognostic, or therapeutic information. 2) Diagnostic significance based on multiple small studies (Evidence Level C). 3) Assists in diagnosis alone or along with other biomarkers based on small studies or few case reports (Evidence Level D; PMIDs: 31574483, 22832583, 34852214).

Literature cited by the submitters: PubMed 31574483; PubMed 22832583; PubMed 34852214.